The following is an entry in ClinVar:

NM_001378452.1(ITPR1):c.877C>T (p.Arg293Trp)

Gene: ITPR1 (inositol 1,4,5-trisphosphate receptor type 1; plus strand). Cytogenetic location: 3p26.1.
Variant type: single nucleotide variant.
Coding change: c.877C>T on transcript NM_001378452.1 (MANE Select); coding-DNA position 877, C replaced by T.
Protein change: p.Arg293Trp; replaces arginine 293 with tryptophan.
Molecular consequence: missense variant.
Genome position (GRCh38, 1-based): chr3:4,652,144, C>T. VCF-style: chr3-4652144-C-T. GRCh37 (hg19) VCF-style: chr3-4693828-C-T.
Other names: c.877C>T, p.Arg293Trp (NM_001099952.4, NM_001168272.2, NM_002222.7); short protein forms R293W.
Identifiers: ClinVar variation 3720427 (VCV003720427.2).

ClinVar aggregate classification (germline): Uncertain significance (1 of 4 stars; one submission).

gnomAD v4.1: 10 of 1,612,492 alleles (0.00062%); highest among the groups gnomAD compares: East Asian, 0.0022%; no homozygotes.

Submission:

Labcorp Genetics (formerly Invitae), Labcorp
Classification: Uncertain significance. Last evaluated: 2024-03-05. Review status: criteria provided, single submitter. Criteria: Invitae Variant Classification Sherloc (09022015). Collection method: clinical testing. Allele origin: germline.
Comment: This sequence change replaces arginine, which is basic and polar, with tryptophan, which is neutral and slightly polar, at codon 293 of the ITPR1 protein (p.Arg293Trp). The frequency data for this variant in the population databases is considered unreliable, as metrics indicate poor data quality at this position in the gnomAD database. This variant has not been reported in the literature in individuals affected with ITPR1-related conditions. Advanced modeling of protein sequence and biophysical properties (such as structural, functional, and spatial information, amino acid conservation, physicochemical variation, residue mobility, and thermodynamic stability) performed at Invitae indicates that this missense variant is expected to disrupt ITPR1 protein function with a positive predictive value of 80%. In summary, the available evidence is currently insufficient to determine the role of this variant in disease. Therefore, it has been classified as a Variant of Uncertain Significance.